The following is an entry in ClinVar:

ClinVar aggregate classification (germline): Likely pathogenic (1 of 4 stars; one submission).

Conditions:
Nemaline myopathy 2 (NEM2). Also called: Nemaline myopathy 2, autosomal recessive. Identifiers: MedGen C1850569, MONDO:0009725, OMIM 256030.

Submission:

Myriad Genetics, Inc.
Classification: Likely pathogenic for Nemaline myopathy 2. Last evaluated: 2022-02-17. Review status: criteria provided, single submitter. Criteria: Myriad Women's Health Autosomal Recessive and X-Linked Classification Criteria (2021). Collection method: clinical testing. Allele origin: unknown.
Comment: NM_001271208.1(NEB):c.11269del1ins11(S3757Ifs*9) is expected to be pathogenic in the context of NEB-related nemaline myopathy. This variant is predicted to lead to an abnormal or absent protein product due to the creation of a premature termination codon in NEB, a gene where loss-of-function variants are known to be pathogenic. Please note: this variant was assessed in the context of healthy population screening.

NM_001164508.2(NEB):c.11269delinsATCAGCCTCGA (p.Ser3757fs)

Gene: NEB (nebulin; minus strand). Cytogenetic location: 2q23.3.
Variant type: Indel.
Coding change: c.11269delinsATCAGCCTCGA on transcript NM_001164508.2 (MANE Select); coding-DNA position 11269, T replaced by ATCAGCCTCGA.
Protein change: p.Ser3757fs; shifts the reading frame from serine 3757.
Molecular consequence: frameshift variant.
Genome position (GRCh38, 1-based): chr2:151,616,022, A replaced by TCGAGGCTGAT on the plus strand (T replaced by ATCAGCCTCGA on the coding strand, the reverse complement: NEB is on the minus strand). VCF-style: chr2-151616022-A-TCGAGGCTGAT. GRCh37 (hg19) VCF-style: chr2-152472536-A-TCGAGGCTGAT.
Other names: c.11269delinsATCAGCCTCGA, p.Ser3757fs (NM_001164507.2, NM_001271208.2); c.10540delinsATCAGCCTCGA, p.Ser3514fs (NM_004543.5); short protein forms S3514fs, S3757fs.
Identifiers: ClinVar variation 1724492 (VCV001724492.2), dbSNP rs2552230649, ClinGen allele CA2580064204.